The following is an entry in ClinVar:

NM_002894.3(RBBP8):c.2692T>A (p.Ter898Lys)

Gene: RBBP8 (RB binding protein 8, endonuclease; plus strand). Cytogenetic location: 18q11.2.
Variant type: single nucleotide variant.
Coding change: c.2692T>A on transcript NM_002894.3 (MANE Select); coding-DNA position 2692, T replaced by A.
Protein change: p.Ter898Lys.
Molecular consequence: stop lost. On other transcripts: missense variant (1).
Genome position (GRCh38, 1-based): chr18:23,026,238, T>A. VCF-style: chr18-23026238-T-A. GRCh37 (hg19) VCF-style: chr18-20606201-T-A.
Other names: c.2692T>A, p.Ter898Lys (NM_203291.2); c.2595T>A, p.His865Gln (NM_203292.2); short protein forms H865Q.
Identifiers: ClinVar variation 2017316 (VCV002017316.4), dbSNP rs1409422493, ClinGen allele CA401804026.

ClinVar aggregate classification (germline): Uncertain significance (1 of 4 stars; one submission).

Submission:

Labcorp Genetics (formerly Invitae), Labcorp
Classification: Uncertain significance. Last evaluated: 2022-07-15. Review status: criteria provided, single submitter. Criteria: Invitae Variant Classification Sherloc (09022015). Collection method: clinical testing. Allele origin: germline.
Comment: In summary, the available evidence is currently insufficient to determine the role of this variant in disease. Therefore, it has been classified as a Variant of Uncertain Significance. This variant has not been reported in the literature in individuals affected with RBBP8-related conditions. This variant is not present in population databases (gnomAD no frequency). This sequence change disrupts the translational stop signal of the RBBP8 mRNA. It is expected to extend the length of the RBBP8 protein by 16 additional amino acid residues.